The following is an entry in ClinVar:

NM_001277115.2(DNAH11):c.518A>G (p.Asn173Ser)

Gene: DNAH11 (dynein axonemal heavy chain 11; plus strand). Cytogenetic location: 7p15.3.
Variant type: single nucleotide variant.
Coding change: c.518A>G on transcript NM_001277115.2 (MANE Select); coding-DNA position 518, A replaced by G.
Protein change: p.Asn173Ser; replaces asparagine 173 with serine.
Molecular consequence: missense variant.
Genome position (GRCh38, 1-based): chr7:21,558,824, A>G. VCF-style: chr7-21558824-A-G. GRCh37 (hg19) VCF-style: chr7-21598442-A-G.
Other names: short protein forms N173S.
Identifiers: ClinVar variation 3392660 (VCV003392660.2).

ClinVar aggregate classification (germline): Uncertain significance (1 of 4 stars; one submission).

gnomAD v4.1: 3 of 1,586,900 alleles (0.00019%); highest among the groups gnomAD compares: South Asian, 0.0024%; no homozygotes.

Submission:

GeneDx
Classification: Uncertain significance. Last evaluated: 2026-09-25. Review status: criteria provided, single submitter. Criteria: GeneDx Variant Classification Process June 2021. Collection method: clinical testing. Allele origin: germline.
Comment: Not observed at significant frequency in large population cohorts (gnomAD); In silico analysis supports that this missense variant has a deleterious effect on protein structure/function; Has not been previously published as pathogenic or benign to our knowledge